The following is an entry in ClinVar:

NM_000260.4(MYO7A):c.5252C>T (p.Pro1751Leu)

Gene: MYO7A (myosin VIIA; plus strand). Cytogenetic location: 11q13.5.
Variant type: single nucleotide variant.
Coding change: c.5252C>T on transcript NM_000260.4 (MANE Select); coding-DNA position 5252, C replaced by T.
Protein change: p.Pro1751Leu; replaces proline 1751 with leucine.
Molecular consequence: missense variant.
Genome position (GRCh38, 1-based): chr11:77,203,143, C>T. VCF-style: chr11-77203143-C-T. GRCh37 (hg19) VCF-style: chr11-76914188-C-T.
Other names: c.5252C>T (NM_000260.3); c.5138C>T, p.Pro1713Leu (NM_001127180.2); c.5105C>T, p.Pro1702Leu (NM_001369365.1); short protein forms P1702L, P1713L, P1751L.
Identifiers: ClinVar variation 1443412 (VCV001443412.7), dbSNP rs746296177, ClinGen allele CA6198655.

ClinVar aggregate classification (germline): Uncertain significance. Review status: criteria provided, multiple submitters, no conflicts (2 of 4 stars). 3 submissions from 3 submitters: Uncertain significance (3). Last evaluated 2026-05-10.

Conditions:
Autosomal dominant nonsyndromic hearing loss 11. Identifiers: Orphanet 90635, MedGen C1832475, MONDO:0011032, OMIM 601317.
Usher syndrome type 1 (USH1). Also called: RETINITIS PIGMENTOSA AND CONGENITAL DEAFNESS. Identifiers: Orphanet 231169, Orphanet 886, MedGen C1568247, MONDO:0010168, OMIM 276900.
Autosomal recessive nonsyndromic hearing loss 2. Also called: DEAFNESS, AUTOSOMAL RECESSIVE 2; NEUROSENSORY NONSYNDROMIC RECESSIVE DEAFNESS 2. Identifiers: Orphanet 90636, MedGen C1838701, MONDO:0010807, OMIM 600060.
MYO7A-related disorder. Also called: MYO7A-related disorders.

Allele frequency attached by ClinVar (database versions not stated): gnomAD 0.00001; gnomAD exomes 0.00001 and 0.00002; TOPMed 0.00002.
gnomAD v4.1: 22 of 1,550,836 alleles (0.0014%); highest among the groups gnomAD compares: Non-Finnish European, 0.0019%; no homozygotes.

Submissions (3):

PreventionGenetics, part of Exact Sciences
Classification: Uncertain significance for MYO7A-related condition. Last evaluated: 2026-05-10. Review status: criteria provided, single submitter. Criteria: ACMG Guidelines, 2015. Collection method: clinical testing. Allele origin: germline.
Comment: The MYO7A c.5252C>T variant is predicted to result in the amino acid substitution p.Pro1751Leu. To our knowledge, this variant has not been reported in the literature. This variant is reported in 0.0016% of alleles in individuals of European (Non-Finnish) descent in gnomAD. At this time, the clinical significance of this variant is uncertain due to the absence of conclusive functional and genetic evidence.

Fulgent Genetics
Classification: Uncertain significance for Usher syndrome type 1; Autosomal recessive nonsyndromic hearing loss 2; Autosomal dominant nonsyndromic hearing loss 11. Last evaluated: 2021-11-30. Review status: criteria provided, single submitter. Criteria: ACMG Guidelines, 2015. Collection method: clinical testing. Allele origin: unknown.

Labcorp Genetics (formerly Invitae), Labcorp
Classification: Uncertain significance. Last evaluated: 2021-09-17. Review status: criteria provided, single submitter. Criteria: Invitae Variant Classification Sherloc (09022015). Collection method: clinical testing. Allele origin: germline.
Comment: This sequence change replaces proline with leucine at codon 1751 of the MYO7A protein (p.Pro1751Leu). The proline residue is moderately conserved and there is a moderate physicochemical difference between proline and leucine. The frequency data for this variant in the population databases is considered unreliable, as metrics indicate poor data quality at this position in the ExAC database. This variant has not been reported in the literature in individuals with MYO7A-related conditions. Algorithms developed to predict the effect of missense changes on protein structure and function are either unavailable or do not agree on the potential impact of this missense change (SIFT: "Tolerated"; PolyPhen-2: "Probably Damaging"; Align-GVGD: "Class C0"). In summary, the available evidence is currently insufficient to determine the role of this variant in disease. Therefore, it has been classified as a Variant of Uncertain Significance.